The following is an entry in ClinVar:

ClinVar aggregate classification (germline): Uncertain significance (1 of 4 stars; one submission).

Conditions:
Hereditary breast ovarian cancer syndrome. Also called: Hereditary breast and ovarian cancer syndrome (HBOC); Hereditary breast and ovarian cancer; Breast and ovarian cancer; Hereditary breast and/or ovarian cancer syndrome; BRCA1- and BRCA2-Associated Hereditary Breast and Ovarian Cancer; Hereditary breast and ovarian cancer syndrome. Identifiers: Orphanet 145, MedGen C0677776, MeSH D061325, MONDO:0003582. Disease mechanism: loss of function.

Submission:

Labcorp Genetics (formerly Invitae), Labcorp
Classification: Uncertain significance for Hereditary breast ovarian cancer syndrome. Last evaluated: 2025-02-26. Review status: criteria provided, single submitter. Criteria: Invitae Variant Classification Sherloc (09022015). Collection method: clinical testing. Allele origin: germline.
Comment: This sequence change replaces serine, which is neutral and polar, with asparagine, which is neutral and polar, at codon 1512 of the BRCA1 protein (p.Ser1512Asn). This variant is not present in population databases (gnomAD no frequency). This variant has not been reported in the literature in individuals affected with BRCA1-related conditions. Invitae Evidence Modeling of protein sequence and biophysical properties (such as structural, functional, and spatial information, amino acid conservation, physicochemical variation, residue mobility, and thermodynamic stability) indicates that this missense variant is not expected to disrupt BRCA1 protein function with a negative predictive value of 95%. In summary, the available evidence is currently insufficient to determine the role of this variant in disease. Therefore, it has been classified as a Variant of Uncertain Significance.

NM_007294.4(BRCA1):c.4535G>A (p.Ser1512Asn)

Gene: BRCA1 (BRCA1 DNA repair associated; minus strand). Cytogenetic location: 17q21.31.
Variant type: single nucleotide variant.
Coding change: c.4535G>A on transcript NM_007294.4 (MANE Select); coding-DNA position 4535, G replaced by A.
Protein change: p.Ser1512Asn; replaces serine 1512 with asparagine.
Molecular consequence: missense variant. On other transcripts: intron variant (3).
Genome position (GRCh38, 1-based): chr17:43,074,471, C>T on the plus strand (G>A on the coding strand, the complement: BRCA1 is on the minus strand). VCF-style: chr17-43074471-C-T. GRCh37 (hg19) VCF-style: chr17-41226488-C-T.
Other names: c.4268G>A, p.Ser1423Asn (NM_001407930.1, NM_001407931.1, NM_001407932.1 and 4 more transcripts); c.4265G>A, p.Ser1422Asn (NM_001407934.1, NM_001407935.1, NM_001407936.1); c.4412G>A, p.Ser1471Asn (NM_001407937.1, NM_001407938.1, NM_001407919.1 and 6 more transcripts); c.4409G>A, p.Ser1470Asn (NM_001407939.1, NM_001407940.1, NM_001407863.1 and 11 more transcripts); c.4394G>A, p.Ser1465Asn (NM_001407942.1, NM_001407692.1, NM_001407694.1 and 13 more transcripts); c.4391G>A, p.Ser1464Asn (NM_001407943.1, NM_001407944.1, NM_001407732.1 and 21 more transcripts); c.4406G>A, p.Ser1469Asn (NM_001407941.1, NM_001407685.1, NM_001407686.1 and 6 more transcripts); c.4535G>A, p.Ser1512Asn (NM_001407684.1, NM_001407854.1, NM_001407593.1 and 8 more transcripts); and 71 more; short protein forms S1215N, S1216N, S1343N, S1383N, S1384N, S1385N, S1399N, S1400N.
Identifiers: ClinVar variation 4800828 (VCV004800828.1).